The following is an entry in ClinVar:

NM_000368.5(TSC1):c.3142C>T (p.Pro1048Ser)

Gene: TSC1 (TSC complex subunit 1; minus strand). Cytogenetic location: 9q34.13.
Variant type: single nucleotide variant.
Coding change: c.3142C>T on transcript NM_000368.5 (MANE Select); coding-DNA position 3142, C replaced by T.
Protein change: p.Pro1048Ser; replaces proline 1048 with serine.
Molecular consequence: missense variant. On other transcripts: non-coding transcript variant (5).
Genome position (GRCh38, 1-based): chr9:132,896,588, G>A on the plus strand (C>T on the coding strand, the complement: TSC1 is on the minus strand). VCF-style: chr9-132896588-G-A. GRCh37 (hg19) VCF-style: chr9-135771975-G-A.
Other names: c.3124C>T, p.Pro1042Ser (NM_001406603.1, NM_001406604.1); c.3100C>T, p.Pro1034Ser (NM_001406605.1, NM_001406606.1, NM_001406607.1); c.3097C>T, p.Pro1033Ser (NM_001406608.1, NM_001406609.1); c.2989C>T, p.Pro997Ser (NM_001406610.1, NM_001162427.2); c.2986C>T, p.Pro996Ser (NM_001406611.1, NM_001406612.1); c.2944C>T, p.Pro982Ser (NM_001406613.1); c.2779C>T, p.Pro927Ser (NM_001406614.1, NM_001406615.1, NM_001406616.1 and 4 more transcripts); c.2776C>T, p.Pro926Ser (NM_001406620.1, NM_001406621.1, NM_001406622.1 and 1 more transcripts); and 8 more; short protein forms P1043S, P913S, P997S, P1034S, P1042S, P731S, P982S, P1047S.
Identifiers: ClinVar variation 3020617 (VCV003020617.1), dbSNP rs1436122561, ClinGen allele CA375367262.
Genomic context (GRCh38, chr9:132,896,588, plus strand): 5'-CCATAGTCGTCTCCCACCGACTGCTGAATGGGCCTGCCCTCTGGTGTGGGGGTTTCTCTG[G>A]GGTAGAAAGCTCGCTGCTGCTGCTGCTGCTGCCTCCACCACCTCTGCTTCCACTACTGCC-3'
Protein context (NP_000359.1, residues 1038-1058): SSSSSSELST[Pro1048Ser]EKPPHQRAGP

ClinVar aggregate classification (germline): Uncertain significance (1 of 4 stars; one submission).

Conditions:
Tuberous sclerosis 1 (TSC1). Identifiers: Orphanet 805, MedGen C1854465, MONDO:0008612, OMIM 191100.

Allele frequency attached by ClinVar (database versions not stated): TOPMed below 0.00001.

Submission:

Labcorp Genetics (formerly Invitae), Labcorp
Classification: Uncertain significance for Tuberous sclerosis 1. Last evaluated: 2023-04-07. Review status: criteria provided, single submitter. Criteria: Invitae Variant Classification Sherloc (09022015). Collection method: clinical testing. Allele origin: germline.
Comment: In summary, the available evidence is currently insufficient to determine the role of this variant in disease. Therefore, it has been classified as a Variant of Uncertain Significance. Advanced modeling of protein sequence and biophysical properties (such as structural, functional, and spatial information, amino acid conservation, physicochemical variation, residue mobility, and thermodynamic stability) performed at Invitae indicates that this missense variant is not expected to disrupt TSC1 protein function. This variant has not been reported in the literature in individuals affected with TSC1-related conditions. This variant is not present in population databases (gnomAD no frequency). This sequence change replaces proline, which is neutral and non-polar, with serine, which is neutral and polar, at codon 1048 of the TSC1 protein (p.Pro1048Ser).